The following is an entry in ClinVar:

NM_020738.4(KIDINS220):c.3589_3593del (p.Ser1197fs)

Gene: KIDINS220 (kinase D interacting substrate 220; minus strand). Cytogenetic location: 2p25.1.
Variant type: Deletion.
Coding change: c.3589_3593del on transcript NM_020738.4 (MANE Select); coding-DNA positions 3589 to 3593, 5 bases deleted (TCAGG; older notation c.3589_3593delTCAGG).
Protein change: p.Ser1197fs; shifts the reading frame from serine 1197.
Molecular consequence: frameshift variant. On other transcripts: non-coding transcript variant (2).
Genome position (GRCh38, 1-based): chr2:8,736,992-8,736,996, CCTGA deleted on the plus strand (TCAGG on the coding strand, the reverse complement: KIDINS220 is on the minus strand); deleting any 5 consecutive bases within chr2:8,736,992-8,736,998 gives the same sequence; the c. name uses the placement nearest the transcript's 3' end. VCF-style (leftmost placement, unchanged base first): chr2-8736991-GCCTGA-G. GRCh37 (hg19) VCF-style: chr2-8877121-GCCTGA-G.
Other names: c.3592_3596del, p.Ser1198fs (NM_001348729.2); c.3535_3539del, p.Ser1179fs (NM_001348731.2); c.3532_3536del, p.Ser1178fs (NM_001348732.2, NM_001348738.2); c.3421_3425del, p.Ser1141fs (NM_001348734.2, NM_001348739.2, NM_001348740.2); c.3418_3422del, p.Ser1140fs (NM_001348735.2, NM_001348741.2, NM_001348742.2 and 1 more transcripts); c.3292_3296del, p.Ser1098fs (NM_001348736.2); short protein forms S1098fs, S1141fs, S1179fs, S1198fs, S1140fs, S1178fs, S1197fs.
Identifiers: ClinVar variation 818068 (VCV000818068.1), dbSNP rs1572428834, ClinGen allele CA915943691.

ClinVar aggregate classification (germline): Likely pathogenic (1 of 4 stars; one submission).

Submission:

GeneDx
Classification: Likely pathogenic. Last evaluated: 2019-03-11. Review status: criteria provided, single submitter. Criteria: GeneDx Variant Classification (06012015). Collection method: clinical testing. Allele origin: germline. Affected: yes.
Comment: The c.3589_3593delTCAGG variant in the KIDINS220 gene has not been reported previously as a pathogenic variant nor as a benign variant, to our knowledge. The c.3589_3593delTCAGG variant causes a frameshift starting with codon Serine 1197, changes this amino acid to a Proline residue, and creates a premature Stop codon at position 19 of the new reading frame, denoted p.Ser1197ProfsX19. This variant is predicted to cause loss of normal protein function either through protein truncation or nonsense-mediated mRNA decay. The c.3589_3593delTCAGG variant is not observed in large population cohorts (Lek et al., 2016). We interpret c.3589_3593delTCAGG as a likely pathogenic variant.